The following is an entry in ClinVar:

ClinVar aggregate classification (germline): Uncertain significance (1 of 4 stars; one submission).

gnomAD v4.1: 1 of 1,614,052 alleles (0.000062%); highest among the groups gnomAD compares: Non-Finnish European, 0.000085%; no homozygotes.

Submission:

Labcorp Genetics (formerly Invitae), Labcorp
Classification: Uncertain significance. Last evaluated: 2024-10-23. Review status: criteria provided, single submitter. Criteria: Invitae Variant Classification Sherloc (09022015). Collection method: clinical testing. Allele origin: germline.
Comment: This sequence change replaces tyrosine, which is neutral and polar, with serine, which is neutral and polar, at codon 1107 of the COL4A1 protein (p.Tyr1107Ser). This variant is not present in population databases (gnomAD no frequency). This variant has not been reported in the literature in individuals affected with COL4A1-related conditions. Invitae Evidence Modeling of protein sequence and biophysical properties (such as structural, functional, and spatial information, amino acid conservation, physicochemical variation, residue mobility, and thermodynamic stability) indicates that this missense variant is not expected to disrupt COL4A1 protein function with a negative predictive value of 95%. In summary, the available evidence is currently insufficient to determine the role of this variant in disease. Therefore, it has been classified as a Variant of Uncertain Significance.

NM_001845.6(COL4A1):c.3320A>C (p.Tyr1107Ser)

Gene: COL4A1 (collagen type IV alpha 1 chain; minus strand). Cytogenetic location: 13q34.
Variant type: single nucleotide variant.
Coding change: c.3320A>C on transcript NM_001845.6 (MANE Select); coding-DNA position 3320, A replaced by C.
Protein change: p.Tyr1107Ser; replaces tyrosine 1107 with serine.
Molecular consequence: missense variant.
Genome position (GRCh38, 1-based): chr13:110,174,628, T>G on the plus strand (A>C on the coding strand, the complement: COL4A1 is on the minus strand). VCF-style: chr13-110174628-T-G. GRCh37 (hg19) VCF-style: chr13-110826975-T-G.
Other names: short protein forms Y1107S.
Identifiers: ClinVar variation 3630651 (VCV003630651.2).
Genomic context (GRCh38, chr13:110,174,628, plus strand): 5'-GCTTTTCTTTGATTTCTTAGATTCCCCAAGTCCAAGAGAAGCCCCCCTCACCTACCTGGA[T>G]AGCCAACACTCCCGGGAGACCCTTTAAGGCCTGGGGACCCTGGCATTCCTGGGATCCCAA-3'
Protein context (NP_001836.3, residues 1097-1117): GLKGSPGSVG[Tyr1107Ser]PGSPGLPGEK